The following is an entry in ClinVar:

ClinVar aggregate classification (germline): Likely benign. Review status: criteria provided, multiple submitters, no conflicts (2 of 4 stars). 2 submissions from 2 submitters: Likely benign (2). Last evaluated 2026-07-01.

Submissions (2):

CeGaT Center for Human Genetics Tuebingen
Classification: Likely benign. Last evaluated: 2026-07-01. Review status: criteria provided, single submitter. Criteria: CeGaT Center For Human Genetics Tuebingen Variant Classification Criteria Version 2. Collection method: clinical testing. Allele origin: germline. Affected: yes. Observed: 1 variant allele.
Comment: H1-4: BP4, BP7

Blueprint Genetics
Classification: Likely benign. Last evaluated: 2024-09-19. Review status: criteria provided, single submitter. Criteria: ACMG Guidelines, 2015. Collection method: clinical testing. Allele origin: germline.

NM_005321.3(H1-4):c.177G>A (p.Leu59=)

Gene: H1-4 (H1.4 linker histone, cluster member; plus strand). Cytogenetic location: 6p22.2.
Variant type: single nucleotide variant.
Coding change: c.177G>A on transcript NM_005321.3 (MANE Select); coding-DNA position 177, G replaced by A.
Protein change: p.Leu59=; no amino-acid change (leucine 59 retained).
Molecular consequence: synonymous variant.
Genome position (GRCh38, 1-based): chr6:26,156,567, G>A. VCF-style: chr6-26156567-G-A. GRCh37 (hg19) VCF-style: chr6-26156795-G-A.
Identifiers: ClinVar variation 4973965 (VCV004973965.2).